The following is an entry in ClinVar:

ClinVar aggregate classification (germline): Conflicting classifications of pathogenicity. Review status: criteria provided, conflicting classifications (1 of 4 stars). 2 submissions from 2 submitters: Pathogenic (1); Uncertain significance (1). Last evaluated 2025-07-21.

Conditions:
XPO1-associated Neurodevelopmental Disorder.

Submissions (2):

Genome Diagnostics Laboratory, University Medical Center Utrecht
Classification: Pathogenic for XPO1-associated Neurodevelopmental Disorder. Last evaluated: 2025-07-21. Review status: criteria provided, single submitter. Criteria: ACMG Guidelines, 2015. Collection method: research. Allele origin: germline. Affected: yes.
Comment: ACMG/AMP (Richards et al, 2015): PS2, PM2, PP2, PP3

GeneDx
Classification: Uncertain significance. Last evaluated: 2023-06-29. Review status: criteria provided, single submitter. Criteria: GeneDx Variant Classification Process June 2021. Collection method: clinical testing. Allele origin: germline. Affected: yes.
Comment: Not observed at significant frequency in large population cohorts (gnomAD); In silico analysis supports that this missense variant has a deleterious effect on protein structure/function; Has not been previously published as pathogenic or benign to our knowledge; Variants in candidate genes are classified as variants of uncertain significance in accordance with ACMG guidelines (Richards et al., 2015)

NM_003400.4(XPO1):c.1537G>A (p.Glu513Lys)

Gene: XPO1 (exportin 1; minus strand). Cytogenetic location: 2p15.
Variant type: single nucleotide variant.
Coding change: c.1537G>A on transcript NM_003400.4 (MANE Select); coding-DNA position 1537, G replaced by A.
Protein change: p.Glu513Lys; replaces glutamic acid 513 with lysine.
Molecular consequence: missense variant.
Genome position (GRCh38, 1-based): chr2:61,492,596, C>T on the plus strand (G>A on the coding strand, the complement: XPO1 is on the minus strand). VCF-style: chr2-61492596-C-T. GRCh37 (hg19) VCF-style: chr2-61719731-C-T.
Other names: c.1537G>A (NM_003400.3); c.1537G>A, p.Glu513Lys (NM_001410799.1); short protein forms E513K.
Identifiers: ClinVar variation 4073398 (VCV004073398.2).